The following is an entry in ClinVar:

NM_007227.3(GPR45):c.680T>A (p.Val227Glu)

Gene: GPR45 (G protein-coupled receptor 45; plus strand). Cytogenetic location: 2q12.1.
Variant type: single nucleotide variant.
Coding change: c.680T>A on transcript NM_007227.3 (MANE Select); coding-DNA position 680, T replaced by A.
Protein change: p.Val227Glu; replaces valine 227 with glutamic acid.
Molecular consequence: missense variant.
Genome position (GRCh38, 1-based): chr2:105,242,538, T>A. VCF-style: chr2-105242538-T-A. GRCh37 (hg19) VCF-style: chr2-105858995-T-A.
Other names: short protein forms V227E.
Identifiers: ClinVar variation 2896616 (VCV002896616.3), dbSNP rs767227335, ClinGen allele CA1813637.

ClinVar aggregate classification (germline): Uncertain significance (1 of 4 stars; one submission).

Allele frequency attached by ClinVar (database versions not stated): TOPMed below 0.00001; ExAC 0.00001.

Submission:

Labcorp Genetics (formerly Invitae), Labcorp
Classification: Uncertain significance. Last evaluated: 2022-10-16. Review status: criteria provided, single submitter. Criteria: Invitae Variant Classification Sherloc (09022015). Collection method: clinical testing. Allele origin: germline.
Comment: In summary, the available evidence is currently insufficient to determine the role of this variant in disease. Therefore, it has been classified as a Variant of Uncertain Significance. Algorithms developed to predict the effect of missense changes on protein structure and function are either unavailable or do not agree on the potential impact of this missense change (SIFT: "Deleterious"; PolyPhen-2: "Benign"; Align-GVGD: "Class C35"). This variant has not been reported in the literature in individuals affected with GPR45-related conditions. This variant is present in population databases (rs767227335, gnomAD 0.01%). This sequence change replaces valine, which is neutral and non-polar, with glutamic acid, which is acidic and polar, at codon 227 of the GPR45 protein (p.Val227Glu).